The following is an entry in ClinVar:

NM_002900.3(RBP3):c.189C>G (p.Ser63Arg)

Gene: RBP3 (retinol binding protein 3; plus strand). Cytogenetic location: 10q11.22.
Variant type: single nucleotide variant.
Coding change: c.189C>G on transcript NM_002900.3 (MANE Select); coding-DNA position 189, C replaced by G.
Protein change: p.Ser63Arg; replaces serine 63 with arginine.
Molecular consequence: missense variant.
Genome position (GRCh38, 1-based): chr10:47,348,673, C>G. VCF-style: chr10-47348673-C-G. GRCh37 (hg19) VCF-style: chr10-48390689-G-C.
Other names: short protein forms S63R.
Identifiers: ClinVar variation 1001730 (VCV001001730.6), dbSNP rs782523040, ClinGen allele CA5487847.

ClinVar aggregate classification (germline): Uncertain significance (1 of 4 stars; one submission).

Allele frequency attached by ClinVar (database versions not stated): gnomAD exomes 0.00002 and 0.00003; ExAC 0.00003.

Submission:

Labcorp Genetics (formerly Invitae), Labcorp
Classification: Uncertain significance. Last evaluated: 2020-10-24. Review status: criteria provided, single submitter. Criteria: Invitae Variant Classification Sherloc (09022015). Collection method: clinical testing. Allele origin: germline.
Comment: This sequence change replaces serine with arginine at codon 63 of the RBP3 protein (p.Ser63Arg). The serine residue is weakly conserved and there is a moderate physicochemical difference between serine and arginine. In summary, the available evidence is currently insufficient to determine the role of this variant in disease. Therefore, it has been classified as a Variant of Uncertain Significance. Algorithms developed to predict the effect of missense changes on protein structure and function (SIFT, PolyPhen-2, Align-GVGD) all suggest that this variant is likely to be tolerated, but these predictions have not been confirmed by published functional studies and their clinical significance is uncertain. This variant has not been reported in the literature in individuals with RBP3-related conditions. This variant is present in population databases (rs782523040, ExAC 0.02%).